The following is an entry in ClinVar:

NM_001039660.2(IL18BP):c.487G>A (p.Val163Ile)

Gene: IL18BP (interleukin 18 binding protein; plus strand). Cytogenetic location: 11q13.4.
Variant type: single nucleotide variant.
Coding change: c.487G>A on transcript NM_001039660.2 (MANE Select); coding-DNA position 487, G replaced by A.
Protein change: p.Val163Ile; replaces valine 163 with isoleucine.
Molecular consequence: missense variant. On other transcripts: intron variant (2).
Genome position (GRCh38, 1-based): chr11:72,001,532, G>A. VCF-style: chr11-72001532-G-A. GRCh37 (hg19) VCF-style: chr11-71712578-G-A.
Other names: c.487G>A, p.Val163Ile (NM_001039659.2, NM_001145057.1, NM_005699.3 and 1 more transcripts); c.379+108G>A (NM_173044.3); c.236-252G>A (NM_001145055.1); short protein forms V163I.
Identifiers: ClinVar variation 2103257 (VCV002103257.6), dbSNP rs370464613, ClinGen allele CA6166255.
Genomic context (GRCh38, chr11:72,001,532, plus strand): 5'-CTGCACAGCACCAACTTCTCCTGTGTGCTCGTGGACCCTGAACAGGTTGTCCAGCGTCAC[G>A]TCGTCCTGGCCCAGCTCTGGGTGAGGAGCCCAAGGAGAGGCCTCCAGGAACAGGAGGAGC-3'
Protein context (NP_001034749.1, residues 153-173): VDPEQVVQRH[Val163Ile]VLAQLWAGLR

ClinVar aggregate classification (germline): Uncertain significance. Review status: criteria provided, multiple submitters, no conflicts (2 of 4 stars). 2 submissions from 2 submitters: Uncertain significance (2). Last evaluated 2026-01-06.

Allele frequency attached by ClinVar (database versions not stated): TOPMed 0.00003; gnomAD 0.00003; gnomAD exomes 0.00004; ExAC 0.00007; ESP Exome Variant Server 0.00008; 1000 Genomes Project 30x 0.00016; 1000 Genomes Project 0.00020.
gnomAD v4.1: 60 of 1,612,982 alleles (0.0037%); highest among the groups gnomAD compares: South Asian, 0.014%; no homozygotes.

Submissions (2):

Labcorp Genetics (formerly Invitae), Labcorp
Classification: Uncertain significance. Last evaluated: 2026-01-06. Review status: criteria provided, single submitter. Criteria: Invitae Variant Classification Sherloc (09022015). Collection method: clinical testing. Allele origin: germline.
Comment: This sequence change replaces valine, which is neutral and non-polar, with isoleucine, which is neutral and non-polar, at codon 163 of the IL18BP protein (p.Val163Ile). This variant is present in population databases (rs370464613, gnomAD 0.02%). This variant has not been reported in the literature in individuals affected with IL18BP-related conditions. ClinVar contains an entry for this variant (Variation ID: 2103257). An algorithm developed to predict the effect of missense changes on protein structure and function outputs the following: PolyPhen-2: "Benign". The isoleucine amino acid residue is found in multiple mammalian species, which suggests that this missense change does not adversely affect protein function. In summary, the available evidence is currently insufficient to determine the role of this variant in disease. Therefore, it has been classified as a Variant of Uncertain Significance.

Ambry Genetics
Classification: Uncertain significance. Last evaluated: 2024-12-24. Review status: criteria provided, single submitter. Criteria: Ambry Variant Classification Scheme 2023. Collection method: clinical testing. Allele origin: germline.